The following is an entry in ClinVar:

NM_005859.5(PURA):c.151C>T (p.Pro51Ser)

Gene: PURA (purine rich element binding protein A; plus strand). Cytogenetic location: 5q31.3.
Variant type: single nucleotide variant.
Coding change: c.151C>T on transcript NM_005859.5 (MANE Select); coding-DNA position 151, C replaced by T.
Protein change: p.Pro51Ser; replaces proline 51 with serine.
Molecular consequence: missense variant.
Genome position (GRCh38, 1-based): chr5:140,114,332, C>T. VCF-style: chr5-140114332-C-T. GRCh37 (hg19) VCF-style: chr5-139493917-C-T.
Other names: short protein forms P51S.
Identifiers: ClinVar variation 3654869 (VCV003654869.3).
Genomic context (GRCh38, chr5:140,114,332, plus strand): 5'-GGCGGGGGCGGTGGTGGCGGCGGGGGCGGCGGCGGCAGTGGCGGCGGCGGCGGCGGGGCC[C>T]CAGGGGGGCTGCAGCACGAGACGCAGGAGCTGGCCTCCAAGCGGGTGGACATCCAGAACA-3'
Protein context (NP_005850.1, residues 41-61): GGSGGGGGGA[Pro51Ser]GGLQHETQEL

ClinVar aggregate classification (germline): Conflicting classifications of pathogenicity. Review status: criteria provided, conflicting classifications (1 of 4 stars). 2 submissions from 2 submitters: Uncertain significance (1); Likely benign (1). Last evaluated 2026-09-14.

Conditions:
PURA-related severe neonatal hypotonia-seizures-encephalopathy syndrome (NEDRIHF). Also called: PURA-Related Neurodevelopmental Disorders; NEURODEVELOPMENTAL DISORDER WITH NEONATAL RESPIRATORY INSUFFICIENCY, HYPOTONIA, AND FEEDING DIFFICULTIES. Identifiers: Orphanet 438213, Orphanet 438216, MedGen C4015357, MONDO:1060108, OMIM 616158, MONDO:0018580.
Inborn genetic diseases. Identifiers: MedGen C0950123, MeSH D030342.

gnomAD v4.1: 2 of 1,453,000 alleles (0.00014%); highest among the groups gnomAD compares: Admixed American, 0.0022%; no homozygotes.

Submissions (2):

Ambry Genetics
Classification: Likely benign for Inborn genetic diseases. Last evaluated: 2026-09-14. Review status: criteria provided, single submitter. Criteria: Ambry Variant Classification Scheme 2023. Collection method: clinical testing. Allele origin: germline.

Labcorp Genetics (formerly Invitae), Labcorp
Classification: Uncertain significance for PURA-related severe neonatal hypotonia-seizures-encephalopathy syndrome. Last evaluated: 2024-05-28. Review status: criteria provided, single submitter. Criteria: Invitae Variant Classification Sherloc (09022015). Collection method: clinical testing. Allele origin: germline.
Comment: This sequence change replaces proline, which is neutral and non-polar, with serine, which is neutral and polar, at codon 51 of the PURA protein (p.Pro51Ser). The frequency data for this variant in the population databases is considered unreliable, as metrics indicate poor data quality at this position in the gnomAD database. This variant has not been reported in the literature in individuals affected with PURA-related conditions. Advanced modeling of protein sequence and biophysical properties (such as structural, functional, and spatial information, amino acid conservation, physicochemical variation, residue mobility, and thermodynamic stability) performed at Invitae indicates that this missense variant is not expected to disrupt PURA protein function with a negative predictive value of 80%. In summary, the available evidence is currently insufficient to determine the role of this variant in disease. Therefore, it has been classified as a Variant of Uncertain Significance.